The following is an entry in ClinVar:

ClinVar aggregate classification (germline): Uncertain significance (1 of 4 stars; one submission).

Conditions:
Cardiovascular phenotype. Identifiers: MedGen CN230736.

Allele frequency attached by ClinVar (database versions not stated): gnomAD exomes below 0.00001.
gnomAD v4.1: 1 of 1,605,992 alleles (0.000062%); highest among the groups gnomAD compares: Non-Finnish European, 0.000085%; no homozygotes.

Submission:

Ambry Genetics
Classification: Uncertain significance for Cardiovascular phenotype. Last evaluated: 2023-10-01. Review status: criteria provided, single submitter. Criteria: Ambry Variant Classification Scheme 2023. Collection method: clinical testing. Allele origin: germline.
Comment: The p.R168C variant (also known as c.502C>T), located in coding exon 2 of the NKX2-5 gene, results from a C to T substitution at nucleotide position 502. The arginine at codon 168 is replaced by cysteine, an amino acid with highly dissimilar properties. This amino acid position is conserved. In addition, this alteration is predicted to be deleterious by in silico analysis. Since supporting evidence is limited at this time, the clinical significance of this alteration remains unclear.

NM_004387.4(NKX2-5):c.502C>T (p.Arg168Cys)

Gene: NKX2-5 (NK2 homeobox 5; minus strand). Cytogenetic location: 5q35.1.
Variant type: single nucleotide variant.
Coding change: c.502C>T on transcript NM_004387.4 (MANE Select); coding-DNA position 502, C replaced by T.
Protein change: p.Arg168Cys; replaces arginine 168 with cysteine.
Molecular consequence: missense variant. On other transcripts: 3 prime UTR variant (2).
Genome position (GRCh38, 1-based): chr5:173,233,042, G>A on the plus strand (C>T on the coding strand, the complement: NKX2-5 is on the minus strand). VCF-style: chr5-173233042-G-A. GRCh37 (hg19) VCF-style: chr5-172660045-G-A.
Other names: c.*455C>T (NM_001166175.2); c.*301C>T (NM_001166176.2); short protein forms R168C.
Identifiers: ClinVar variation 3224201 (VCV003224201.1), dbSNP rs2480073087, ClinGen allele CA362161731.
Genomic context (GRCh38, chr5:173,233,042, plus strand): 5'-TCTGGAACCAGATCTTGACCTGCGTGGACGTGAGTTTCAGCACGCTGGCCAGCTGGTCGC[G>A]TTCGGGGGCCGACAGGTACCGCTGCTGCTTGAAGCGCCGCTCCAGCTCATAGACCTGCGC-3'
Protein context (NP_004378.1, residues 158-178): KQQRYLSAPE[Arg168Cys]DQLASVLKLT